The following is an entry in ClinVar:

NM_001613.4(ACTA2):c.438C>G (p.Ala146=)

Gene: ACTA2 (actin alpha 2, smooth muscle; minus strand). Cytogenetic location: 10q23.31.
Variant type: single nucleotide variant.
Coding change: c.438C>G on transcript NM_001613.4 (MANE Select); coding-DNA position 438, C replaced by G.
Protein change: p.Ala146=; no amino-acid change (alanine 146 retained).
Molecular consequence: synonymous variant.
Genome position (GRCh38, 1-based): chr10:88,941,801, G>C on the plus strand (C>G on the coding strand, the complement: ACTA2 is on the minus strand). VCF-style: chr10-88941801-G-C. GRCh37 (hg19) VCF-style: chr10-90701558-G-C.
Other names: c.309C>G, p.Ala103= (NM_001406468.1, NM_001406469.1, NM_001406467.1); c.438C>G, p.Ala146= (NM_001406471.1, NM_001141945.3, NM_001320855.2 and 3 more transcripts); c.327C>G, p.Ala109= (NM_001406466.1).
Identifiers: ClinVar variation 3075544 (VCV003075544.1), dbSNP rs1204039698, ClinGen allele CA470734848.

ClinVar aggregate classification (germline): Likely benign (1 of 4 stars; one submission).

Conditions:
Familial thoracic aortic aneurysm and aortic dissection (TAAD). Also called: Thoracic aortic aneurysms and dissections. Identifiers: Orphanet 91387, MedGen C4707243, MONDO:0019625.

gnomAD v4.1: 2 of 1,612,590 alleles (0.00012%); highest among the groups gnomAD compares: Admixed American, 0.0033%; no homozygotes.

Submission:

All of Us Research Program, National Institutes of Health
Classification: Likely benign for Familial thoracic aortic aneurysm and aortic dissection. Last evaluated: 2023-12-01. Review status: criteria provided, single submitter. Criteria: ACMG Guidelines, 2015. Collection method: clinical testing. Allele origin: germline. Inheritance: Autosomal dominant inheritance. Observed: 2 variant alleles, 2 heterozygotes.
Comment: This study involves interpretation of variants in research participants for the purpose of population health screening. Participant phenotype was not available at the time of variant classification. Additional details can be found in publication PMID: 35346344, PMCID: PMC8962531